The following is an entry in ClinVar:

NM_000263.4(NAGLU):c.1000G>A (p.Val334Ile)

Gene: NAGLU (N-acetyl-alpha-glucosaminidase; plus strand). Cytogenetic location: 17q21.2.
Variant type: single nucleotide variant.
Coding change: c.1000G>A on transcript NM_000263.4 (MANE Select); coding-DNA position 1000, G replaced by A.
Protein change: p.Val334Ile; replaces valine 334 with isoleucine.
Molecular consequence: missense variant.
Genome position (GRCh38, 1-based): chr17:42,541,185, G>A. VCF-style: chr17-42541185-G-A. GRCh37 (hg19) VCF-style: chr17-40693203-G-A.
Other names: short protein forms V334I.
Identifiers: ClinVar variation 623899 (VCV000623899.49), dbSNP rs749140168, ClinGen allele CA8576913.

ClinVar aggregate classification (germline): Conflicting classifications of pathogenicity. Review status: criteria provided, conflicting classifications (1 of 4 stars). 4 submissions from 4 submitters: Likely pathogenic (1); Uncertain significance (3). Last evaluated 2024-10-18.

Conditions:
Charcot-Marie-Tooth disease axonal type 2V. Also called: CHARCOT-MARIE-TOOTH NEUROPATHY, TYPE 2V; CHARCOT-MARIE-TOOTH DISEASE, AXONAL, AUTOSOMAL DOMINANT, TYPE 2V. Identifiers: Orphanet 447964, MedGen C5569050, MONDO:0014665, OMIM 616491.
Mucopolysaccharidosis, MPS-III-B (MPS3B). Also called: N-ACETYL-ALPHA-D-GLUCOSAMINIDASE DEFICIENCY; NAGLU DEFICIENCY; SANFILIPPO SYNDROME B; Mucopolysaccharidosis type IIIB (Sanfilippo B); MPS IIIB (Sanfilippo Syndrome Type B); MPS III B. Identifiers: Orphanet 79270, MedGen C0086648, MONDO:0009656, OMIM 252920.
Tip-toe gait. Also called: Toe walking. Identifiers: MedGen C0427144, HP:0030051.

Allele frequency attached by ClinVar (database versions not stated): TOPMed 0.00004; ExAC 0.00001; gnomAD 0.00002; gnomAD exomes 0.00002.
gnomAD v4.1: 29 of 1,613,216 alleles (0.0018%); highest among the groups gnomAD compares: African/African-American, 0.0067%; no homozygotes.

Submissions (4):

Blueprint Genetics
Classification: Uncertain significance. Last evaluated: 2024-10-18. Review status: criteria provided, single submitter. Criteria: ACMG Guidelines, 2015. Collection method: clinical testing. Allele origin: germline.

Labcorp Genetics (formerly Invitae), Labcorp
Classification: Uncertain significance for Charcot-Marie-Tooth disease axonal type 2V; Mucopolysaccharidosis, MPS-III-B. Last evaluated: 2022-07-23. Review status: criteria provided, single submitter. Criteria: Invitae Variant Classification Sherloc (09022015). Collection method: clinical testing. Allele origin: germline.
Comment: This sequence change replaces valine, which is neutral and non-polar, with isoleucine, which is neutral and non-polar, at codon 334 of the NAGLU protein (p.Val334Ile). This variant is present in population databases (rs749140168, gnomAD 0.01%). This missense change has been observed in individual(s) with mucopolysaccarhidosis type IIIB (PMID: 33747789). ClinVar contains an entry for this variant (Variation ID: 623899). Advanced modeling of protein sequence and biophysical properties (such as structural, functional, and spatial information, amino acid conservation, physicochemical variation, residue mobility, and thermodynamic stability) performed at Invitae indicates that this missense variant is not expected to disrupt NAGLU protein function. Experimental studies are conflicting or provide insufficient evidence to determine the effect of this variant on NAGLU function (PMID: 29979746). This variant disrupts the p.Val334 amino acid residue in NAGLU. Other variant(s) that disrupt this residue have been determined to be pathogenic (PMID: 10094189; Invitae). This suggests that this residue is clinically significant, and that variants that disrupt this residue are likely to be disease-causing. In summary, the available evidence is currently insufficient to determine the role of this variant in disease. Therefore, it has been classified as a Variant of Uncertain Significance.

Practice for Gait Abnormalities, David Pomarino, Competency Network Toe Walking C/o Practice Pomarino
Classification: Likely pathogenic for Tip-toe gait. Last evaluated: 2018-05-02. Review status: criteria provided, single submitter. Criteria: ACMG Guidelines, 2015. Collection method: clinical testing. Allele origin: unknown. Affected: yes.
Comment: Hereditary motor sensory neuropathy (HMSN), also known as Charcot-Marie-Tooth Disease (CMT), is the most commonly inherited peripheral polyneuropathy. It constitutes a group of inherited, progressive, motor and sensory peripheral nerve disorders with properties of demyelination, axonal degeneration, or both. It is classified by clinical characteristics, modes of inheritance, electrophysiologic features, metabolic defects, and specific gene markers. Our patients all walk on tiptoe, so they show similar symptoms. When we genetically test them with our toe walking panel, we find that around 90 per cent of them have a genetic variant that explains their toe walking. These can be assigned, for example, to the area of myopathies (such as variants of the COL6A3 gene), the area of hereditary neuropathies (such as variants of the KMT2C gene) or the area of metabolic diseases (such as variants of the PYGM gene). In a smaller group of patients with almost identical symptoms, no abnormality is found in the genes of our panel, but spastic paraplegia can be detected. In another small group of our toe walkers, no abnormalities can be detected in the genes analysed in our toe walking panel, nor do they suffer from spastic paraplegia, as is also the case with healthy children. In contrast to these, however, they show a tiptoe gait. These patients suffer from infantile cerebral palsy, in which toe walking can also be observed.

CeGaT Center for Human Genetics Tuebingen
Classification: Uncertain significance. Last evaluated: 2018-04-01. Review status: criteria provided, single submitter. Criteria: CeGaT Center For Human Genetics Tuebingen Variant Classification Criteria Version 2. Collection method: clinical testing. Allele origin: germline. Affected: yes. Observed: 1 variant allele.

Literature cited by the submitters: PubMed 33747789 (cited by Labcorp Genetics (formerly Invitae), Labcorp); PubMed 29979746 (cited by Labcorp Genetics (formerly Invitae), Labcorp); PubMed 10094189 (cited by Labcorp Genetics (formerly Invitae), Labcorp); PubMed 37091313 (cited by Practice for Gait Abnormalities, David Pomarino, Competency Network Toe Walking C/o Practice Pomarino).